The following is an entry in ClinVar:

ClinVar aggregate classification (germline): Pathogenic (1 of 4 stars; one submission).

Conditions:
Bethlem myopathy 1A. Also called: MYOPATHY, BENIGN CONGENITAL, WITH CONTRACTURES; Bethlem myopathy 1; Bethlem Muscular Dystrophy. Identifiers: Orphanet 610, MedGen CN029274, MONDO:0024530, OMIM 158810.

gnomAD v4.1: 1 of 1,612,950 alleles (0.000062%); highest among the groups gnomAD compares: Non-Finnish European, 0.000085%; no homozygotes.

Submission:

Labcorp Genetics (formerly Invitae), Labcorp
Classification: Pathogenic for Bethlem myopathy 1A. Last evaluated: 2022-04-09. Review status: criteria provided, single submitter. Criteria: Invitae Variant Classification Sherloc (09022015). Collection method: clinical testing. Allele origin: germline.
Comment: This sequence change creates a premature translational stop signal (p.Glu251*) in the COL6A1 gene. It is expected to result in an absent or disrupted protein product. Loss-of-function variants in COL6A1 are known to be pathogenic (PMID: 19884007, 20976770). This variant is not present in population databases (gnomAD no frequency). This variant has not been reported in the literature in individuals affected with COL6A1-related conditions. For these reasons, this variant has been classified as Pathogenic.

Literature cited by the submitters: PubMed 19884007; PubMed 20976770.

NM_001848.3(COL6A1):c.751G>T (p.Glu251Ter)

Gene: COL6A1 (collagen type VI alpha 1 chain; plus strand). Cytogenetic location: 21q22.3.
Variant type: single nucleotide variant.
Coding change: c.751G>T on transcript NM_001848.3 (MANE Select); coding-DNA position 751, G replaced by T.
Protein change: p.Glu251Ter; replaces glutamic acid 251 with a stop codon.
Molecular consequence: nonsense.
Genome position (GRCh38, 1-based): chr21:45,987,511, G>T. VCF-style: chr21-45987511-G-T. GRCh37 (hg19) VCF-style: chr21-47407425-G-T.
Other names: short protein forms E251*.
Identifiers: ClinVar variation 2123413 (VCV002123413.4), dbSNP rs145849970, ClinGen allele CA410519714.